The following is an entry in ClinVar:

ClinVar aggregate classification (germline): Pathogenic (1 of 4 stars; one submission).

Conditions:
Cardiovascular phenotype. Identifiers: MedGen CN230736.

Submission:

Ambry Genetics
Classification: Pathogenic for Cardiovascular phenotype. Last evaluated: 2023-07-25. Review status: criteria provided, single submitter. Criteria: Ambry Variant Classification Scheme 2023. Collection method: clinical testing. Allele origin: germline.
Comment: The c.4996C>T (p.R1666*) alteration, located in exon 41 (coding exon 41) of the CACNA1C gene, consists of a C to T substitution at nucleotide position 4996. This changes the amino acid from an arginine (R) to a stop codon at amino acid position 1666. This alteration is expected to result in loss of function by premature protein truncation or nonsense-mediated mRNA decay. Based on the available evidence, the CACNA1C c.4996C>T (p.R1666*) alteration is classified as pathogenic for CACNA1C-related neurodevelopmental disorder; however, it is unlikely to be causative of CACNA1C-related long QT syndrome or Timothy syndrome. This variant was not reported in population-based cohorts in the Genome Aggregation Database (gnomAD). Based on the available evidence, this alteration is classified as pathogenic.

NM_000719.7(CACNA1C):c.4996C>T (p.Arg1666Ter)

Genes: CACNA1C (calcium voltage-gated channel subunit alpha1 C; plus strand), CACNA1C-AS1 (CACNA1C antisense RNA 1; minus strand). Cytogenetic location: 12p13.33.
Variant type: single nucleotide variant.
Coding change: c.4996C>T on transcript NM_000719.7 (MANE Select); coding-DNA position 4996, C replaced by T.
Protein change: p.Arg1666Ter; replaces arginine 1666 with a stop codon.
Molecular consequence: nonsense. On other transcripts: non-coding transcript variant (1).
Genome position (GRCh38, 1-based): chr12:2,677,772, C>T. VCF-style: chr12-2677772-C-T. GRCh37 (hg19) VCF-style: chr12-2786938-C-T.
Other names: c.5140C>T, p.Arg1714Ter (NM_001129827.2, NM_199460.4); c.5119C>T, p.Arg1707Ter (NM_001129829.2); c.4996C>T, p.Arg1666Ter (NM_001129830.3, NM_001129840.2, NM_001129841.2 and 4 more transcripts); c.5080C>T, p.Arg1694Ter (NM_001129831.2); c.5056C>T, p.Arg1686Ter (NM_001129832.2); c.5053C>T, p.Arg1685Ter (NM_001129833.2, NM_001129834.2, NM_001129835.2); c.5047C>T, p.Arg1683Ter (NM_001129836.2); c.5020C>T, p.Arg1674Ter (NM_001129837.2, NM_001129838.2); and 3 more; short protein forms R1655*, R1666*, R1672*, R1674*, R1683*, R1685*, R1663*, R1707*.
Identifiers: ClinVar variation 1744618 (VCV001744618.2), dbSNP rs1556047901, ClinGen allele CA383378264.